The following is an entry in ClinVar:

NM_015192.4(PLCB1):c.3326A>G (p.Tyr1109Cys)

Gene: PLCB1 (phospholipase C beta 1; plus strand). Cytogenetic location: 20p12.3.
Variant type: single nucleotide variant.
Coding change: c.3326A>G on transcript NM_015192.4 (MANE Select); coding-DNA position 3326, A replaced by G.
Protein change: p.Tyr1109Cys; replaces tyrosine 1109 with cysteine.
Molecular consequence: missense variant.
Genome position (GRCh38, 1-based): chr20:8,789,565, A>G. VCF-style: chr20-8789565-A-G. GRCh37 (hg19) VCF-style: chr20-8770212-A-G.
Other names: c.3326A>G, p.Tyr1109Cys (NM_182734.3); short protein forms Y1109C.
Identifiers: ClinVar variation 659946 (VCV000659946.9), dbSNP rs747642151, ClinGen allele CA9760517.
Genomic context (GRCh38, chr20:8,789,565, plus strand): 5'-CATTTGCTTTTAGGGAGAAGACAGAGATGATCCGGTCATATATCCAGGAAGTGGTGCAGT[A>G]TATCAAGAGGGTATGTGGGCTCATCACGCTCTCTCCTTTGCAAAACATGTGTGAACATTT-3'
Protein context (NP_056007.1, residues 1099-1119): IRSYIQEVVQ[Tyr1109Cys]IKRLEEAQSK

ClinVar aggregate classification (germline): Uncertain significance (1 of 4 stars; one submission).

Conditions:
Developmental and epileptic encephalopathy, 12 (DEE12). Identifiers: MedGen C3150988, MONDO:0013389, OMIM 613722.

Allele frequency attached by ClinVar (database versions not stated): gnomAD exomes 0.00002; TOPMed 0.00002; ExAC 0.00003.
gnomAD v4.1: 33 of 1,610,680 alleles (0.002%); highest among the groups gnomAD compares: Non-Finnish European, 0.0025%; no homozygotes.

Submission:

Labcorp Genetics (formerly Invitae), Labcorp
Classification: Uncertain significance for Developmental and epileptic encephalopathy, 12. Last evaluated: 2022-08-23. Review status: criteria provided, single submitter. Criteria: Invitae Variant Classification Sherloc (09022015). Collection method: clinical testing. Allele origin: germline.
Comment: This sequence change replaces tyrosine, which is neutral and polar, with cysteine, which is neutral and slightly polar, at codon 1109 of the PLCB1 protein (p.Tyr1109Cys). In summary, the available evidence is currently insufficient to determine the role of this variant in disease. Therefore, it has been classified as a Variant of Uncertain Significance. Algorithms developed to predict the effect of missense changes on protein structure and function (SIFT, PolyPhen-2, Align-GVGD) all suggest that this variant is likely to be tolerated. ClinVar contains an entry for this variant (Variation ID: 659946). This variant has not been reported in the literature in individuals affected with PLCB1-related conditions. This variant is present in population databases (rs747642151, gnomAD 0.003%).